The following is an entry in ClinVar:

ClinVar aggregate classification (germline): Uncertain significance (1 of 4 stars; one submission).

Conditions:
Nemaline myopathy 9 (NEM9). Identifiers: MedGen C3810384, MONDO:0014326, OMIM 615731.

Allele frequency attached by ClinVar (database versions not stated): ExAC 0.00001; gnomAD 0.00001; gnomAD exomes 0.00001; TOPMed 0.00002.

Submission:

Labcorp Genetics (formerly Invitae), Labcorp
Classification: Uncertain significance for Nemaline myopathy 9. Last evaluated: 2022-08-16. Review status: criteria provided, single submitter. Criteria: Invitae Variant Classification Sherloc (09022015). Collection method: clinical testing. Allele origin: germline.
Comment: This sequence change replaces aspartic acid, which is acidic and polar, with tyrosine, which is neutral and polar, at codon 506 of the KLHL41 protein (p.Asp506Tyr). The frequency data for this variant in the population databases is considered unreliable, as metrics indicate poor data quality at this position in the gnomAD database. This variant has not been reported in the literature in individuals affected with KLHL41-related conditions. ClinVar contains an entry for this variant (Variation ID: 854197). Algorithms developed to predict the effect of missense changes on protein structure and function (SIFT, PolyPhen-2, Align-GVGD) all suggest that this variant is likely to be disruptive. In summary, the available evidence is currently insufficient to determine the role of this variant in disease. Therefore, it has been classified as a Variant of Uncertain Significance.

NM_006063.3(KLHL41):c.1516G>T (p.Asp506Tyr)

Gene: KLHL41 (kelch like family member 41; plus strand). Cytogenetic location: 2q31.1.
Variant type: single nucleotide variant.
Coding change: c.1516G>T on transcript NM_006063.3 (MANE Select); coding-DNA position 1516, G replaced by T.
Protein change: p.Asp506Tyr; replaces aspartic acid 506 with tyrosine.
Molecular consequence: missense variant.
Genome position (GRCh38, 1-based): chr2:169,518,329, G>T. VCF-style: chr2-169518329-G-T. GRCh37 (hg19) VCF-style: chr2-170374839-G-T.
Other names: short protein forms D506Y.
Identifiers: ClinVar variation 854197 (VCV000854197.5), dbSNP rs746755443, ClinGen allele CA1956698.
Genomic context (GRCh38, chr2:169,518,329, plus strand): 5'-TCCATGTTTGGAGTAGCAGTCCATAAAGGCAAAATTGTGATTGCAGGAGGTGTCACTGAA[G>T]ATGGTCTTTCAGCTTCAGTTGAAGCTTTTGACCTTACAACAAATAAGTGAGTTGCCACAT-3'
Protein context (NP_006054.2, residues 496-516): KIVIAGGVTE[Asp506Tyr]GLSASVEAFD